The following is an entry in ClinVar:

NM_152564.5(VPS13B):c.1357A>G (p.Arg453Gly)

Gene: VPS13B (vacuolar protein sorting 13 homolog B; plus strand). Cytogenetic location: 8q22.2.
Variant type: single nucleotide variant.
Coding change: c.1357A>G on transcript NM_152564.5 (MANE Select); coding-DNA position 1357, A replaced by G.
Protein change: p.Arg453Gly; replaces arginine 453 with glycine.
Molecular consequence: missense variant.
Genome position (GRCh38, 1-based): chr8:99,135,069, A>G. VCF-style: chr8-99135069-A-G. GRCh37 (hg19) VCF-style: chr8-100147297-A-G.
Other names: c.1357A>G, p.Arg453Gly (NM_015243.3, NM_017890.5); c.1357A>G (NM_017890.3); short protein forms R453G.
Identifiers: ClinVar variation 1008268 (VCV001008268.12), dbSNP rs767057004, ClinGen allele CA4822616.
Genomic context (GRCh38, chr8:99,135,069, plus strand): 5'-TTATAGGCCCTTATGATGGGAGAACCTTTCTTTGATTGCCAGATTGGGTTTGTTGGTTGC[A>G]GAGCCATGTGCCTTAAAGGAATTATGGGTGTTAAAGATTTTGAAGAGAATATGAATAGAA-3'
Protein context (NP_689777.3, residues 443-463): FDCQIGFVGC[Arg453Gly]AMCLKGIMGV

ClinVar aggregate classification (germline): Uncertain significance. Review status: criteria provided, multiple submitters, no conflicts (2 of 4 stars). 3 submissions from 3 submitters: Uncertain significance (2). 1 of the submissions does not count toward it. Last evaluated 2025-10-07.

Conditions:
Cohen syndrome (COH1). Also called: PEPPER SYNDROME; Cutis verticis gyrata, retinitis pigmentosa, and sensorineural deafness. Identifiers: Orphanet 193, MedGen C0265223, MONDO:0008999, OMIM 216550.
Inborn genetic diseases. Identifiers: MedGen C0950123, MeSH D030342.

Allele frequency attached by ClinVar (database versions not stated): TOPMed below 0.00001; gnomAD exomes 0.00001 and 0.00002; ExAC 0.00002.
gnomAD v4.1: 11 of 1,613,638 alleles (0.00068%); highest among the groups gnomAD compares: South Asian, 0.012%; no homozygotes.

Submissions (3):

Ambry Genetics
Classification: Uncertain significance for Inborn genetic diseases. Last evaluated: 2025-10-07. Review status: criteria provided, single submitter. Criteria: Ambry Variant Classification Scheme 2023. Collection method: clinical testing. Allele origin: germline.

Labcorp Genetics (formerly Invitae), Labcorp
Classification: Uncertain significance for Cohen syndrome. Last evaluated: 2025-07-14. Review status: criteria provided, single submitter. Criteria: Invitae Variant Classification Sherloc (09022015). Collection method: clinical testing. Allele origin: germline.
Comment: This sequence change replaces arginine, which is basic and polar, with glycine, which is neutral and non-polar, at codon 453 of the VPS13B protein (p.Arg453Gly). This variant is present in population databases (rs767057004, gnomAD 0.01%). This variant has not been reported in the literature in individuals affected with VPS13B-related conditions. ClinVar contains an entry for this variant (Variation ID: 1008268). Invitae Evidence Modeling of protein sequence and biophysical properties (such as structural, functional, and spatial information, amino acid conservation, physicochemical variation, residue mobility, and thermodynamic stability) indicates that this missense variant is expected to disrupt VPS13B protein function with a positive predictive value of 80%. In summary, the available evidence is currently insufficient to determine the role of this variant in disease. Therefore, it has been classified as a Variant of Uncertain Significance.

Natera, Inc.
Classification: Uncertain significance for Cohen syndrome. Last evaluated: 2020-04-25. Review status: no assertion criteria provided. Collection method: clinical testing. Allele origin: germline. Not counted in ClinVar's aggregate classification.